The following is an entry in ClinVar:

NM_020821.3(VPS13C):c.6692C>A (p.Thr2231Lys)

Gene: VPS13C (vacuolar protein sorting 13 homolog C; minus strand). Cytogenetic location: 15q22.2.
Variant type: single nucleotide variant.
Coding change: c.6692C>A on transcript NM_020821.3 (MANE Select); coding-DNA position 6692, C replaced by A.
Protein change: p.Thr2231Lys; replaces threonine 2231 with lysine.
Molecular consequence: missense variant.
Genome position (GRCh38, 1-based): chr15:61,922,680, G>T on the plus strand (C>A on the coding strand, the complement: VPS13C is on the minus strand). VCF-style: chr15-61922680-G-T. GRCh37 (hg19) VCF-style: chr15-62214879-G-T.
Other names: c.6692C>A, p.Thr2231Lys (NM_001018088.3); c.6563C>A, p.Thr2188Lys (NM_017684.5, NM_018080.4); short protein forms T2188K, T2231K.
Identifiers: ClinVar variation 1514105 (VCV001514105.5), dbSNP rs371685718, ClinGen allele CA7595468.

ClinVar aggregate classification (germline): Uncertain significance (1 of 4 stars; one submission).

Allele frequency attached by ClinVar (database versions not stated): ESP Exome Variant Server 0.00023; 1000 Genomes Project 30x 0.00031; 1000 Genomes Project 0.00040.
gnomAD v4.1: 181 of 1,613,716 alleles (0.011%); highest among the groups gnomAD compares: Middle Eastern, 0.049%; 1 homozygote.

Submission:

Labcorp Genetics (formerly Invitae), Labcorp
Classification: Uncertain significance. Last evaluated: 2021-09-02. Review status: criteria provided, single submitter. Criteria: Invitae Variant Classification Sherloc (09022015). Collection method: clinical testing. Allele origin: germline.
Comment: This sequence change replaces threonine with lysine at codon 2231 of the VPS13C protein (p.Thr2231Lys). The threonine residue is weakly conserved and there is a moderate physicochemical difference between threonine and lysine. This variant is present in population databases (rs371685718, ExAC 0.01%). This variant has not been reported in the literature in individuals affected with VPS13C-related conditions. Algorithms developed to predict the effect of missense changes on protein structure and function (SIFT, PolyPhen-2, Align-GVGD) all suggest that this variant is likely to be tolerated. In summary, the available evidence is currently insufficient to determine the role of this variant in disease. Therefore, it has been classified as a Variant of Uncertain Significance.